The following is an entry in ClinVar:

ClinVar aggregate classification (germline): Pathogenic/Likely pathogenic. Review status: criteria provided, multiple submitters, no conflicts (2 of 4 stars). 4 submissions from 4 submitters: Pathogenic (1); Likely pathogenic (3). Last evaluated 2025-08-15.

Conditions:
Primary ciliary dyskinesia. Also called: Ciliary dyskinesia. Identifiers: Orphanet 244, MedGen C0008780, MONDO:0016575, HP:0012265.
Kartagener syndrome (CILD1). Also called: CILIARY DYSKINESIA, PRIMARY, 1, WITH OR WITHOUT SITUS INVERSUS; IMMOTILE CILIA SYNDROME; CILIARY DYSKINESIA, PRIMARY, 1; SIEWERT SYNDROME; Dextrocardia bronchiectasis and sinusitis; POLYNESIAN BRONCHIECTASIS. Identifiers: Orphanet 244, MedGen C4551906, MONDO:0009484, OMIM 244400.

Allele frequency attached by ClinVar (database versions not stated): gnomAD exomes below 0.00001 and 0.00001; TOPMed below 0.00001; gnomAD 0.00001.
gnomAD v4.1: 4 of 1,613,936 alleles (0.00025%); highest among the groups gnomAD compares: Admixed American, 0.0033%; no homozygotes.

Submissions (4):

Natera, Inc.
Classification: Likely pathogenic for Primary ciliary dyskinesia. Last evaluated: 2025-08-15. Review status: criteria provided, single submitter. Criteria: Natera Variant Classification Schema (03/2026). Collection method: clinical testing. Allele origin: germline.
Comment: The c.1818+1G>T variant in DNAI1 is a canonical splice donor site variant predicted to affect pre-mRNA splicing, which may result in an abnormal transcript and altered protein product. This variant is expected to result in nonsense mediated decay, truncation, or a dysfunctional protein product. This variant is rare in the general population with a frequency below the threshold expected for the associated phenotype(s). Given the available evidence, this variant is classified as Likely Pathogenic.

Fulgent Genetics
Classification: Likely pathogenic for Kartagener syndrome. Last evaluated: 2024-06-04. Review status: criteria provided, single submitter. Criteria: ACMG Guidelines, 2015. Collection method: clinical testing. Allele origin: germline.

Labcorp Genetics (formerly Invitae), Labcorp
Classification: Likely pathogenic for Primary ciliary dyskinesia. Last evaluated: 2024-05-23. Review status: criteria provided, single submitter. Criteria: Invitae Variant Classification Sherloc (09022015). Collection method: clinical testing. Allele origin: germline.
Comment: This sequence change affects a donor splice site in intron 18 of the DNAI1 gene. It is expected to disrupt RNA splicing. Variants that disrupt the donor or acceptor splice site typically lead to a loss of protein function (PMID: 16199547), and loss-of-function variants in DNAI1 are known to be pathogenic (PMID: 16858015, 29363216). This variant is present in population databases (no rsID available, gnomAD 0.003%). This variant has not been reported in the literature in individuals affected with DNAI1-related conditions. ClinVar contains an entry for this variant (Variation ID: 1066781). Algorithms developed to predict the effect of sequence changes on RNA splicing suggest that this variant may disrupt the consensus splice site. In summary, the currently available evidence indicates that the variant is pathogenic, but additional data are needed to prove that conclusively. Therefore, this variant has been classified as Likely Pathogenic.

Department of Pathology and Laboratory Medicine, Sinai Health System
Classification: Pathogenic for Kartagener syndrome. Last evaluated: 2021-12-27. Review status: criteria provided, single submitter. Criteria: ACMG Guidelines, 2015. Collection method: research. Allele origin: germline.

Literature cited by the submitters: PubMed 16199547 (cited by Labcorp Genetics (formerly Invitae), Labcorp); PubMed 16858015 (cited by Labcorp Genetics (formerly Invitae), Labcorp); PubMed 29363216 (cited by Labcorp Genetics (formerly Invitae), Labcorp).

NM_012144.4(DNAI1):c.1818+1G>T

Gene: DNAI1 (dynein axonemal intermediate chain 1; plus strand). Cytogenetic location: 9p13.3.
Variant type: single nucleotide variant.
Coding change: c.1818+1G>T on transcript NM_012144.4 (MANE Select); the canonical splice donor site of the intron after coding-DNA position 1818, G replaced by T.
Molecular consequence: splice donor variant.
Genome position (GRCh38, 1-based): chr9:34,514,740, G>T. VCF-style: chr9-34514740-G-T. GRCh37 (hg19) VCF-style: chr9-34514738-G-T.
Other names: c.1830+1G>T (NM_001281428.2); c.1818+1G>T (NM_012144.3).
Identifiers: ClinVar variation 1066781 (VCV001066781.10), dbSNP rs904790792, ClinGen allele CA192651910.
Genomic context (GRCh38, chr9:34,514,740, plus strand): 5'-GATGTGGCCTGGGCGCCATACTCTTCTACTGTGTTCGCAGCAGTCACCACAGATGGGAAG[G>T]TGAGTGCCAGCGTCCTGACTTCACTGAGTCCCTACTGGAGATCAGGTGTGTTATCTCAGG-3'